The following is an entry in ClinVar:

NM_052988.5(CDK10):c.*82G>A

Gene: CDK10 (cyclin dependent kinase 10; plus strand). Cytogenetic location: 16q24.3.
Variant type: single nucleotide variant.
Coding change: c.*82G>A on transcript NM_052988.5 (MANE Select); 82 bases downstream of the stop codon, G replaced by A.
Molecular consequence: 3 prime UTR variant. On other transcripts: synonymous variant (1), non-coding transcript variant (2).
Genome position (GRCh38, 1-based): chr16:89,695,774, G>A. VCF-style: chr16-89695774-G-A. GRCh37 (hg19) VCF-style: chr16-89762182-G-A.
Other names: c.*82G>A (NM_001098533.3, NM_001160367.2); c.818G>A, p.Ter273= (NM_052987.4).
Identifiers: ClinVar variation 3044071 (VCV003044071.2), dbSNP rs374856571, ClinGen allele CA8248360.

ClinVar aggregate classification (germline): Likely benign (0 of 4 stars; one submission).

Conditions:
CDK10-related disorder. Also called: CDK10-related condition.

Allele frequency attached by ClinVar (database versions not stated): 1000 Genomes Project 30x 0.00031; 1000 Genomes Project 0.00040; ESP Exome Variant Server 0.00054; gnomAD 0.00071; gnomAD exomes 0.00085; TOPMed 0.00095; ExAC 0.00162.
gnomAD v4.1: 1,343 of 1,582,924 alleles (0.085%); highest among the groups gnomAD compares: Middle Eastern, 0.28%; no homozygotes.

Submission:

PreventionGenetics, part of Exact Sciences
Classification: Likely benign for CDK10-related condition. Last evaluated: 2019-08-13. Review status: no assertion criteria provided. Collection method: clinical testing. Allele origin: germline.
Comment: This variant is classified as likely benign based on ACMG/AMP sequence variant interpretation guidelines (Richards et al. 2015 PMID: 25741868, with internal and published modifications).